The following is an entry in ClinVar:

NM_031263.4(HNRNPK):c.1225C>T (p.Arg409Trp)

Gene: HNRNPK (heterogeneous nuclear ribonucleoprotein K; minus strand). Cytogenetic location: 9q21.32.
Variant type: single nucleotide variant.
Coding change: c.1225C>T on transcript NM_031263.4 (MANE Select); coding-DNA position 1225, C replaced by T.
Protein change: p.Arg409Trp; replaces arginine 409 with tryptophan.
Molecular consequence: missense variant.
Genome position (GRCh38, 1-based): chr9:83,970,298, G>A on the plus strand (C>T on the coding strand, the complement: HNRNPK is on the minus strand). VCF-style: chr9-83970298-G-A. GRCh37 (hg19) VCF-style: chr9-86585213-G-A.
Other names: c.1153C>T, p.Arg385Trp (NM_001318186.2, NM_001318187.2); c.1225C>T, p.Arg409Trp (NM_001318188.2, NM_002140.5, NM_031262.4); short protein forms R385W, R409W.
Identifiers: ClinVar variation 1343289 (VCV001343289.1), dbSNP rs750307456, ClinGen allele CA5103876.
Genomic context (GRCh38, chr9:83,970,298, plus strand): 5'-CTTCTAAAGGCTCATCAATTTTGATCGAAGCTCCCGACTCATGACGGATTTGTTTAATCC[G>A]CTGACCACCTTTGCCAATAATAGATCCAGCCAACTGAAAAGATTTTTTAAAAGTATGTGT-3'
Protein context (NP_112553.1, residues 399-419): AGSIIGKGGQ[Arg409Trp]IKQIRHESGA

ClinVar aggregate classification (germline): Uncertain significance (1 of 4 stars; one submission).

Conditions:
Au-Kline syndrome. Also called: Neurodevelopmental disorder-craniofacial dysmorphism-cardiac defect-hip dysplasia syndrome due to a point mutation; Okamoto syndrome. Identifiers: Orphanet 2729, Orphanet 453499, Orphanet 453504, MedGen C4225274, MONDO:0014700, OMIM 616580.

Allele frequency attached by ClinVar (database versions not stated): gnomAD exomes below 0.00001; ExAC 0.00001.

Submission:

Institute of Human Genetics, Clinical Exome/Genome Diagnostics Group, University Hospital Bonn
Classification: Uncertain significance for Au-Kline syndrome. Last evaluated: 2021-02-22. Review status: criteria provided, single submitter. Criteria: ACMG Guidelines, 2015. Collection method: clinical testing. Allele origin: de novo. Affected: yes.
Comment: PS2